The following is an entry in ClinVar:

ClinVar aggregate classification (germline): Pathogenic/Likely pathogenic. Review status: criteria provided, multiple submitters, no conflicts (2 of 4 stars). 4 submissions from 4 submitters: Pathogenic (3); Likely pathogenic (1). Last evaluated 2024-05-03.

Conditions:
Hereditary cancer-predisposing syndrome. Also called: Tumor predisposition; Hereditary Cancer Syndrome; Neoplastic Syndromes, Hereditary; Hereditary neoplastic syndrome. Identifiers: Orphanet 140162, MedGen C0027672, MeSH D009386, MONDO:0015356.
Hereditary breast ovarian cancer syndrome. Also called: Hereditary breast and ovarian cancer; Breast and ovarian cancer; Hereditary breast and/or ovarian cancer syndrome; Hereditary breast and ovarian cancer syndrome; BRCA1- and BRCA2-Associated Hereditary Breast and Ovarian Cancer; Hereditary breast and ovarian cancer syndrome (HBOC). Identifiers: Orphanet 145, MedGen C0677776, MeSH D061325, MONDO:0003582. Disease mechanism: loss of function.

Submissions (4):

Labcorp Genetics (formerly Invitae), Labcorp
Classification: Pathogenic for Hereditary breast ovarian cancer syndrome. Last evaluated: 2024-05-03. Review status: criteria provided, single submitter. Criteria: Invitae Variant Classification Sherloc (09022015). Collection method: clinical testing. Allele origin: germline.
Comment: This sequence change creates a premature translational stop signal (p.Lys3032Asnfs*11) in the BRCA2 gene. It is expected to result in an absent or disrupted protein product. Loss-of-function variants in BRCA2 are known to be pathogenic (PMID: 20104584). This variant is not present in population databases (gnomAD no frequency). This premature translational stop signal has been observed in individual(s) with breast and/or ovarian cancer (PMID: 29383094). ClinVar contains an entry for this variant (Variation ID: 823004). For these reasons, this variant has been classified as Pathogenic.

Ambry Genetics
Classification: Pathogenic for Hereditary cancer-predisposing syndrome. Last evaluated: 2023-10-03. Review status: criteria provided, single submitter. Criteria: Ambry Variant Classification Scheme 2023. Collection method: clinical testing. Allele origin: germline.
Comment: The c.9096_9097delAA pathogenic mutation, located in coding exon 22 of the BRCA2 gene, results from a deletion of two nucleotides at nucleotide positions 9096 to 9097, causing a translational frameshift with a predicted alternate stop codon (p.K3032Nfs*11). This variant is considered to be rare based on population cohorts in the Genome Aggregation Database (gnomAD). This alteration is expected to result in loss of function by premature protein truncation or nonsense-mediated mRNA decay. As such, this alteration is interpreted as a disease-causing mutation.

Color Diagnostics, LLC DBA Color Health
Classification: Pathogenic for Hereditary cancer-predisposing syndrome. Last evaluated: 2020-01-15. Review status: criteria provided, single submitter. Criteria: ACMG Guidelines, 2015. Collection method: clinical testing. Allele origin: germline.
Comment: This variant deletes 2 nucleotides in exon 23 of the BRCA2 gene, creating a frameshift and premature translation stop signal. This variant is expected to result in an absent or non-functional protein product. This variant has not been identified in the general population by the Genome Aggregation Database (gnomAD). Loss of BRCA2 function is a known mechanism of disease. Based on the available evidence, this variant is classified as Pathogenic.

Women's Health and Genetics/Laboratory Corporation of America, LabCorp
Classification: Likely pathogenic for Hereditary breast and ovarian cancer syndrome. Last evaluated: 2019-08-16. Review status: criteria provided, single submitter. Criteria: LabCorp Variant Classification Summary - May 2015. Collection method: clinical testing. Allele origin: germline.
Comment: Variant summary: BRCA2 c.9096_9097delAA (p.Lys3032AsnfsX11) results in a premature termination codon, predicted to cause a truncation of the encoded protein or absence of the protein due to nonsense mediated decay, which are commonly known mechanisms for disease. Truncations downstream of this position have been classified as pathogenic by our laboratory. The variant was absent in 245952 control chromosomes (gnomAD). To our knowledge, no occurrence of c.9096_9097delAA in individuals affected with Hereditary Breast and Ovarian Cancer and no experimental evidence demonstrating its impact on protein function have been reported. No clinical diagnostic laboratories have submitted clinical-significance assessments for this variant to ClinVar after 2014. Based on the evidence outlined above, the variant was classified as likely pathogenic.

Literature cited by the submitters: PubMed 20104584 (cited by Labcorp Genetics (formerly Invitae), Labcorp); PubMed 29383094 (cited by Labcorp Genetics (formerly Invitae), Labcorp).

NM_000059.4(BRCA2):c.9096_9097del (p.Lys3032fs)

Gene: BRCA2 (BRCA2 DNA repair associated; plus strand). Cytogenetic location: 13q13.1.
Variant type: Deletion.
Coding change: c.9096_9097del on transcript NM_000059.4 (MANE Select); coding-DNA positions 9096 to 9097, 2 bases deleted (AA; older notation c.9096_9097delAA).
Protein change: p.Lys3032fs; shifts the reading frame from lysine 3032.
Molecular consequence: frameshift variant.
Genome position (GRCh38, 1-based): chr13:32,379,892-32,379,893, AA deleted; deleting any 2 consecutive bases within chr13:32,379,886-32,379,893 gives the same sequence; the c. name uses the placement nearest the transcript's 3' end. VCF-style (leftmost placement, unchanged base first): chr13-32379885-CAA-C. GRCh37 (hg19) VCF-style: chr13-32954022-CAA-C.
Other names: c.9096_9097del (NM_000059.3); short protein forms K3032fs.
Identifiers: ClinVar variation 823004 (VCV000823004.16), dbSNP rs397507419, ClinGen allele CA913188549.
Genomic context (GRCh38, chr13:32,379,885, plus strand): 5'-ATCTTGCAACTTCAAAATCTAAAAGTAAATCTGAAAGAGCTAACATACAGTTAGCAGCGA[CAA>C]AAAAAACTCAGTATCAACAACTACCGGTACAAACCTTTCATTGTAATTTTTCAGTTTTGA-3'